The following is an entry in ClinVar:

NM_152618.3(BBS12):c.789C>T (p.Tyr263=)

Gene: BBS12 (Bardet-Biedl syndrome 12; plus strand). Cytogenetic location: 4q27.
Variant type: single nucleotide variant.
Coding change: c.789C>T on transcript NM_152618.3 (MANE Select); coding-DNA position 789, C replaced by T.
Protein change: p.Tyr263=; no amino-acid change (tyrosine 263 retained).
Molecular consequence: synonymous variant.
Genome position (GRCh38, 1-based): chr4:122,742,681, C>T. VCF-style: chr4-122742681-C-T. GRCh37 (hg19) VCF-style: chr4-123663836-C-T.
Other names: c.789C>T (NM_152618.2); c.789C>T, p.Tyr263= (NM_001178007.2).
Identifiers: ClinVar variation 1124384 (VCV001124384.9), dbSNP rs974173261, ClinGen allele CA441120682.

ClinVar aggregate classification (germline): Likely benign. Review status: criteria provided, multiple submitters, no conflicts (2 of 4 stars). 3 submissions from 3 submitters: Likely benign (2). 1 of the submissions does not count toward it. Last evaluated 2026-06-19.

Conditions:
Bardet-Biedl syndrome 12 (BBS12). Identifiers: Orphanet 110, MedGen C1859570, MONDO:0014440, OMIM 615989.
BBS12-related disorder. Also called: BBS12-related condition.
Bardet-Biedl syndrome (BBS). Identifiers: Orphanet 110, MedGen C0752166, MONDO:0015229.

Allele frequency attached by ClinVar (database versions not stated): TOPMed below 0.00001; gnomAD 0.00001.

Submissions (3):

PreventionGenetics, part of Exact Sciences
Classification: Likely benign for BBS12-related condition. Last evaluated: 2026-06-19. Review status: criteria provided, single submitter. Criteria: ACMG Guidelines, 2015. Collection method: clinical testing. Allele origin: germline.
Comment: This variant is classified as likely benign based on ACMG/AMP sequence variant interpretation guidelines (Richards et al. 2015 PMID: 25741868, with internal and published modifications).

Labcorp Genetics (formerly Invitae), Labcorp
Classification: Likely benign for Bardet-Biedl syndrome. Last evaluated: 2023-10-29. Review status: criteria provided, single submitter. Criteria: Invitae Variant Classification Sherloc (09022015). Collection method: clinical testing. Allele origin: germline.

Natera, Inc.
Classification: Likely benign for Bardet-Biedl syndrome type 12. Last evaluated: 2025-01-27. Review status: no assertion criteria provided. Collection method: clinical testing. Allele origin: germline. Not counted in ClinVar's aggregate classification.